The following is an entry in ClinVar:

ClinVar aggregate classification (germline): Conflicting classifications of pathogenicity. Review status: criteria provided, conflicting classifications (1 of 4 stars). 4 submissions from 4 submitters: Uncertain significance (1); Likely benign (3). Last evaluated 2026-05-11.

Conditions:
TRPM4-related disorder. Also called: TRPM4-related condition; TRPM4-related disorders. Identifiers: MedGen CN239424.
Cardiovascular phenotype. Identifiers: MedGen CN230736.
Progressive familial heart block type IB (PFHB1B). Identifiers: Orphanet 871, MedGen C1970298, MONDO:0011474, OMIM 604559.

Allele frequency attached by ClinVar (database versions not stated): gnomAD exomes 0.00007 and 0.00009; ExAC 0.00010; ESP Exome Variant Server 0.00015; gnomAD 0.00026 and 0.00027; TOPMed 0.00028; 1000 Genomes Project 30x 0.00031; 1000 Genomes Project 0.00040.

Submissions (4):

PreventionGenetics, part of Exact Sciences
Classification: Likely benign for TRPM4-related condition. Last evaluated: 2026-05-11. Review status: criteria provided, single submitter. Criteria: ACMG Guidelines, 2015. Collection method: clinical testing. Allele origin: germline.
Comment: This variant is classified as likely benign based on ACMG/AMP sequence variant interpretation guidelines (Richards et al. 2015 PMID: 25741868, with internal and published modifications).

Labcorp Genetics (formerly Invitae), Labcorp
Classification: Likely benign for Progressive familial heart block type IB. Last evaluated: 2026-01-13. Review status: criteria provided, single submitter. Criteria: Invitae Variant Classification Sherloc (09022015). Collection method: clinical testing. Allele origin: germline.

GeneDx
Classification: Uncertain significance. Last evaluated: 2024-02-01. Review status: criteria provided, single submitter. Criteria: GeneDx Variant Classification Process June 2021. Collection method: clinical testing. Allele origin: germline. Affected: yes.
Comment: In silico analysis supports that this missense variant does not alter protein structure/function; Has not been previously published as pathogenic or benign to our knowledge

Ambry Genetics
Classification: Likely benign for Cardiovascular phenotype. Last evaluated: 2021-09-16. Review status: criteria provided, single submitter. Criteria: Ambry Variant Classification Scheme 2023. Collection method: clinical testing. Allele origin: germline.

NM_017636.4(TRPM4):c.385G>A (p.Val129Ile)

Gene: TRPM4 (transient receptor potential cation channel subfamily M member 4; plus strand). Cytogenetic location: 19q13.33.
Variant type: single nucleotide variant.
Coding change: c.385G>A on transcript NM_017636.4 (MANE Select); coding-DNA position 385, G replaced by A.
Protein change: p.Val129Ile; replaces valine 129 with isoleucine.
Molecular consequence: missense variant. On other transcripts: intron variant (4).
Genome position (GRCh38, 1-based): chr19:49,168,034, G>A. VCF-style: chr19-49168034-G-A. GRCh37 (hg19) VCF-style: chr19-49671291-G-A.
Other names: c.385G>A, p.Val129Ile (NM_001195227.2); c.-1105-226G>A (NM_001321282.2); c.268-519G>A (NM_001321281.2); c.-74-226G>A (NM_001321283.2); c.-237-519G>A (NM_001321285.2); short protein forms V129I.
Identifiers: ClinVar variation 518658 (VCV000518658.16), dbSNP rs372299022, ClinGen allele CA9568802.